The following is an entry in ClinVar:

NM_000755.5(CRAT):c.1705G>A (p.Val569Met)

Gene: CRAT (carnitine O-acetyltransferase; minus strand). Cytogenetic location: 9q34.11.
Variant type: single nucleotide variant.
Coding change: c.1705G>A on transcript NM_000755.5 (MANE Select); coding-DNA position 1705, G replaced by A.
Protein change: p.Val569Met; replaces valine 569 with methionine.
Molecular consequence: missense variant.
Genome position (GRCh38, 1-based): chr9:129,095,573, C>T on the plus strand (G>A on the coding strand, the complement: CRAT is on the minus strand). VCF-style: chr9-129095573-C-T. GRCh37 (hg19) VCF-style: chr9-131857852-C-T.
Other names: c.1642G>A, p.Val548Met (NM_001257363.3, NM_004003.4); c.1708G>A, p.Val570Met (NM_001346546.2); c.1633G>A, p.Val545Met (NM_001346547.2); c.1570G>A, p.Val524Met (NM_001346548.2); c.1585G>A, p.Val529Met (NM_001346549.2); short protein forms V569M, V529M, V545M, V548M, V524M, V570M.
Identifiers: ClinVar variation 617561 (VCV000617561.9), dbSNP rs762425351, ClinGen allele CA5275270.

ClinVar aggregate classification (germline): Uncertain significance. Review status: criteria provided, multiple submitters, no conflicts (2 of 4 stars). 3 submissions from 3 submitters: Uncertain significance (2). 1 of the submissions does not count toward it. Last evaluated 2026-01-07.

Conditions:
Deficiency of carnitine acetyltransferase. Also called: CARNITINE ACETYLTRANSFERASE DEFICIENCY. Identifiers: MedGen C1443228, MONDO:0011642, OMIM 606175.

Allele frequency attached by ClinVar (database versions not stated): gnomAD exomes 0.00003 and 0.00012; gnomAD 0.00007 and 0.00008; TOPMed 0.00011; ExAC 0.00012.
gnomAD v4.1: 62 of 1,613,170 alleles (0.0038%); highest among the groups gnomAD compares: Admixed American, 0.047%; no homozygotes.

Submissions (3):

Labcorp Genetics (formerly Invitae), Labcorp
Classification: Uncertain significance. Last evaluated: 2026-01-07. Review status: criteria provided, single submitter. Criteria: Invitae Variant Classification Sherloc (09022015). Collection method: clinical testing. Allele origin: germline.
Comment: This sequence change replaces valine, which is neutral and non-polar, with methionine, which is neutral and non-polar, at codon 569 of the CRAT protein (p.Val569Met). This variant is present in population databases (rs762425351, gnomAD 0.04%). This missense change has been observed in individual(s) with Leigh syndrome (PMID: 31448845). ClinVar contains an entry for this variant (Variation ID: 617561). Invitae Evidence Modeling of protein sequence and biophysical properties (such as structural, functional, and spatial information, amino acid conservation, physicochemical variation, residue mobility, and thermodynamic stability) indicates that this missense variant is not expected to disrupt CRAT protein function with a negative predictive value of 80%. Experimental studies have shown that this missense change affects CRAT function (PMID: 31448845). In summary, the available evidence is currently insufficient to determine the role of this variant in disease. Therefore, it has been classified as a Variant of Uncertain Significance.

Dasa
Classification: Uncertain significance. Last evaluated: 2025-10-11. Review status: criteria provided, single submitter. Criteria: DASA Assertion Criteria. Collection method: clinical testing. Allele origin: germline.
Comment: NM_000755.5(CRAT):c.1705G>A (p.Val569Met) is a missense variant that results in the substitution of valine with methionine. This variant has been reported in individuals with CRAT-related disorders (PMID: 31448845). Functional evidence supports an impact on the gene or gene product (PMID: 31448845). Also, this variant is rare in population databases. The currently available literature and clinical evidence are not sufficient to establish a definitive association between this variant and the reported condition. Therefore, this variant is classified as a variant of uncertain significance.

Computational Biology Unit, University of Bari
Classification: Likely pathogenic for Deficiency of carnitine acetyltransferase. Last evaluated: 2019-01-22. Review status: no assertion criteria provided. Collection method: research, in vitro. Allele origin: maternal. Affected: yes. Observed: 1 compound heterozygote. Segregation with disease observed. Not counted in ClinVar's aggregate classification.

Literature cited by the submitters: PubMed 31448845 (cited by 3 submitters).